The following is an entry in ClinVar:

NM_022124.6(CDH23):c.1410C>T (p.Tyr470=)

Gene: CDH23 (cadherin related 23; plus strand). Cytogenetic location: 10q22.1.
Variant type: single nucleotide variant.
Coding change: c.1410C>T on transcript NM_022124.6 (MANE Select); coding-DNA position 1410, C replaced by T.
Protein change: p.Tyr470=; no amino-acid change (tyrosine 470 retained).
Molecular consequence: synonymous variant.
Genome position (GRCh38, 1-based): chr10:71,646,578, C>T. VCF-style: chr10-71646578-C-T. GRCh37 (hg19) VCF-style: chr10-73406335-C-T.
Other names: c.1410C>T, p.Tyr470= (NM_001171930.2, NM_001171931.2, NM_052836.4).
Identifiers: ClinVar variation 1164315 (VCV001164315.34), dbSNP rs549569431, ClinGen allele CA5543793.
Genomic context (GRCh38, chr10:71,646,578, plus strand): 5'-CATCAATGAAAATGACAACCGGCCCATCTTCAGCCAGCCACTGTACAACATCAGCCTGTA[C>T]GAGAACGTCACCGTGGGGACCTCTGTGCTGACAGTCCTGGTGAGTCCCCGCTTCACTGCA-3'
Protein context (NP_071407.4, residues 460-480): FSQPLYNISL[Tyr470=]ENVTVGTSVL

ClinVar aggregate classification (germline): Benign/Likely benign. Review status: criteria provided, multiple submitters, no conflicts (2 of 4 stars). 4 submissions from 4 submitters: Benign (1); Likely benign (2). 1 of the submissions does not count toward it. Last evaluated 2026-01-06.

Conditions:
Usher syndrome type 1 (USH1). Also called: RETINITIS PIGMENTOSA AND CONGENITAL DEAFNESS. Identifiers: Orphanet 231169, Orphanet 886, MedGen C1568247, MONDO:0010168, OMIM 276900.

Allele frequency attached by ClinVar (database versions not stated): gnomAD 0.00005 and 0.00008; TOPMed 0.00005; ExAC 0.00025; 1000 Genomes Project 30x 0.00031; 1000 Genomes Project 0.00040; gnomAD exomes 0.00010 and 0.00018.
gnomAD v4.1: 168 of 1,614,018 alleles (0.01%); highest among the groups gnomAD compares: South Asian, 0.12%; 1 homozygote.

Submissions (4):

Labcorp Genetics (formerly Invitae), Labcorp
Classification: Benign. Last evaluated: 2026-01-06. Review status: criteria provided, single submitter. Criteria: Invitae Variant Classification Sherloc (09022015). Collection method: clinical testing. Allele origin: germline.

Blueprint Genetics
Classification: Likely benign. Last evaluated: 2024-03-08. Review status: criteria provided, single submitter. Criteria: ACMG Guidelines, 2015. Collection method: clinical testing. Allele origin: germline.

CeGaT Center for Human Genetics Tuebingen
Classification: Likely benign. Last evaluated: 2023-05-01. Review status: criteria provided, single submitter. Criteria: CeGaT Center For Human Genetics Tuebingen Variant Classification Criteria Version 2. Collection method: clinical testing. Allele origin: germline. Affected: yes. Observed: 1 variant allele.
Comment: CDH23: BP4, BP7

Natera, Inc.
Classification: Likely benign for Usher syndrome type 1. Last evaluated: 2020-01-10. Review status: no assertion criteria provided. Collection method: clinical testing. Allele origin: germline. Not counted in ClinVar's aggregate classification.